The following is an entry in ClinVar:

ClinVar aggregate classification (germline): Likely pathogenic (1 of 4 stars; one submission).

Submission:

Labcorp Genetics (formerly Invitae), Labcorp
Classification: Likely pathogenic. Last evaluated: 2021-03-24. Review status: criteria provided, single submitter. Criteria: Invitae Variant Classification Sherloc (09022015). Collection method: clinical testing. Allele origin: germline.
Comment: In summary, the currently available evidence indicates that the variant is pathogenic, but additional data are needed to prove that conclusively. Therefore, this variant has been classified as Likely Pathogenic. Algorithms developed to predict the effect of sequence changes on RNA splicing suggest that this variant may disrupt the consensus splice site, but this prediction has not been confirmed by published transcriptional studies. This variant has not been reported in the literature in individuals with COL7A1-related conditions. This variant is not present in population databases (ExAC no frequency). This sequence change affects a donor splice site in intron 70 of the COL7A1 gene. It is expected to disrupt RNA splicing. Variants that disrupt the donor or acceptor splice site typically lead to a loss of protein function (PMID: 16199547), and loss-of-function variants in COL7A1 are known to be disease-causing for autosomal recessive dystrophic epidermolysis bullosa (PMID: 16971478). However, certain variants affecting donor or acceptor splice sites in the triple helical domain of COL7A1 are expected to result in in-frame exon skipping and have been reported to cause autosomal dominant dystrophic epidermolysis bullosa (PMID: 31670143).

Literature cited by the submitters: PubMed 16199547; PubMed 16971478; PubMed 31670143.

NM_000094.4(COL7A1):c.5820+2T>C

Gene: COL7A1 (collagen type VII alpha 1 chain; minus strand). Cytogenetic location: 3p21.31.
Variant type: single nucleotide variant.
Coding change: c.5820+2T>C on transcript NM_000094.4 (MANE Select); the canonical splice donor site of the intron after coding-DNA position 5820, T replaced by C.
Molecular consequence: splice donor variant.
Genome position (GRCh38, 1-based): chr3:48,576,247, A>G on the plus strand (T>C on the coding strand, the complement: COL7A1 is on the minus strand). VCF-style: chr3-48576247-A-G. GRCh37 (hg19) VCF-style: chr3-48613680-A-G.
Identifiers: ClinVar variation 1466990 (VCV001466990.8), dbSNP rs1575442251, ClinGen allele CA352665980.
Genomic context (GRCh38, chr3:48,576,247, plus strand): 5'-GGCAAGGTGGCCCCAATGGGCATGCAAAACAGAGTCAAGGGGACATCCCAAGCCTGGCTC[A>G]CCGGCACACTTCCAGGCTCTCCTCGCAGGCCACGCTCTCCAGGGAGGCCCTGGAGAGATG-3'